The following is an entry in ClinVar:

NM_017780.4(CHD7):c.2572C>T (p.Arg858Ter)

Gene: CHD7 (chromodomain helicase DNA binding protein 7; plus strand). Cytogenetic location: 8q12.2.
Variant type: single nucleotide variant.
Coding change: c.2572C>T on transcript NM_017780.4 (MANE Select); coding-DNA position 2572, C replaced by T.
Protein change: p.Arg858Ter; replaces arginine 858 with a stop codon.
Molecular consequence: nonsense. On other transcripts: intron variant (1).
Genome position (GRCh38, 1-based): chr8:60,816,460, C>T. VCF-style: chr8-60816460-C-T. GRCh37 (hg19) VCF-style: chr8-61729019-C-T.
Other names: c.2572C>T (LRG_176t1); c.1716+35410C>T (NM_001316690.1); short protein forms R858*.
Identifiers: ClinVar variation 620086 (VCV000620086.18), dbSNP rs1563625351, ClinGen allele CA371306226.

ClinVar aggregate classification (germline): Pathogenic/Likely pathogenic. Review status: criteria provided, multiple submitters, no conflicts (2 of 4 stars). 10 submissions from 10 submitters: Pathogenic (8); Likely pathogenic (1). 1 of the submissions does not count toward it. Last evaluated 2026-05-14.

Conditions:
CHD7-related disorder. Also called: CHD7-related condition.
CHARGE syndrome (CHARGE). Also called: Coloboma, heart anomaly, choanal atresia, retardation, genital and ear anomalies; CHARGE association; Hall-Hittner syndrome; Hittner Hirsch Kreh syndrome; CHARGE ASSOCIATION--COLOBOMA, HEART ANOMALY, CHOANAL ATRESIA, RETARDATION, GENITAL AND EAR ANOMALIES. Identifiers: Orphanet 138, MedGen C0265354, MONDO:0008965.

Submissions (10):

PreventionGenetics, part of Exact Sciences
Classification: Pathogenic for CHD7-related condition. Last evaluated: 2026-05-14. Review status: criteria provided, single submitter. Criteria: ACMG Guidelines, 2015. Collection method: clinical testing. Allele origin: germline.
Comment: The CHD7 c.2572C>T variant is predicted to result in premature protein termination (p.Arg858*). This variant has been reported with de novo occurrence in multiple individuals with CHARGE syndrome (see for example, Jongmans et al. 2006. PubMed ID: 16155193; Table S2, Wang et al. 2021. PubMed ID: 33502061). This variant has not been reported in a large population database (gnomAD), indicating this variant is rare. Nonsense variants in CHD7 are expected to be pathogenic. This variant is interpreted as pathogenic.

Institute of Human Genetics, University of Leipzig Medical Center
Classification: Pathogenic for CHD7-related CHARGE syndrome. Last evaluated: 2025-07-07. Review status: criteria provided, single submitter. Criteria: ACMG Guidelines, 2015. Collection method: clinical testing. Allele origin: unknown. Inheritance: Autosomal dominant inheritance. Affected: yes.
Comment: Criteria applied: PVS1,PS2_VSTR,PS4,PM2

Dasa
Classification: Pathogenic. Last evaluated: 2025-04-06. Review status: criteria provided, single submitter. Criteria: DASA Assertion Criteria. Collection method: clinical testing. Allele origin: germline.
Comment: NM_017780.4(CHD7):c.2572C>T (p.Arg858*) introduces a premature termination codon predicted to result in loss of normal protein function. Loss-of-function is an established mechanism of disease for this gene. De novo occurrence has been reported in an individual with related phenotype. This variant has been recurrently observed in individuals with related phenotype (PMID: 25077900; PMID: 31146700). The variant is present at low frequency in population datasets. Based on the available data, this variant is classified as pathogenic.

Women's Health and Genetics/Laboratory Corporation of America, LabCorp
Classification: Pathogenic for CHARGE syndrome. Last evaluated: 2025-03-10. Review status: criteria provided, single submitter. Criteria: LabCorp Variant Classification Summary - May 2015. Collection method: clinical testing. Allele origin: germline.
Comment: Variant summary: CHD7 c.2572C>T (p.Arg858X) results in a premature termination codon, predicted to cause a truncation of the encoded protein or absence of the protein due to nonsense mediated decay, which are commonly known mechanisms for disease. The variant was absent in 243854 control chromosomes. c.2572C>T has been reported in the literature in individuals affected with CHARGE Syndrome (example: Wong_2015). The following publication has been ascertained in the context of this evaluation (PMID: 26544072). ClinVar contains an entry for this variant (Variation ID: 620086). Based on the evidence outlined above, the variant was classified as pathogenic.

MGZ Medical Genetics Center
Classification: Likely pathogenic for CHD7-related CHARGE syndrome. Last evaluated: 2021-07-12. Review status: criteria provided, single submitter. Criteria: ACMG Guidelines, 2015. Collection method: clinical testing. Allele origin: germline. Affected: yes. Observed: 1 variant allele.
Comment: ACMG criteria applied: PVS1, PM2_SUP

Labcorp Genetics (formerly Invitae), Labcorp
Classification: Pathogenic for CHARGE syndrome. Last evaluated: 2021-02-19. Review status: criteria provided, single submitter. Criteria: Invitae Variant Classification Sherloc (09022015). Collection method: clinical testing. Allele origin: germline.
Comment: For these reasons, this variant has been classified as Pathogenic. This variant has been observed in individual(s) with CHARGE syndrome (PMID: 16155193). In at least one individual the variant was observed to be de novo. ClinVar contains an entry for this variant (Variation ID: 620086). This variant is not present in population databases (ExAC no frequency). This sequence change creates a premature translational stop signal (p.Arg858*) in the CHD7 gene. It is expected to result in an absent or disrupted protein product. Loss-of-function variants in CHD7 are known to be pathogenic (PMID: 22461308, 25077900).

GeneDx
Classification: Pathogenic. Last evaluated: 2021-02-10. Review status: criteria provided, single submitter. Criteria: GeneDx Variant Classification Process June 2021. Collection method: clinical testing. Allele origin: germline. Affected: yes.
Comment: Nonsense variant predicted to result in protein truncation or nonsense mediated decay in a gene for which loss-of-function is a known mechanism of disease; Not observed in large population cohorts (Lek et al., 2016); This variant is associated with the following publications: (PMID: 27321065, 33391964, 16155193, 25525159, 21158681, 33502061)

Institute of Medical Genetics and Applied Genomics, University Hospital Tübingen
Classification: Pathogenic. Last evaluated: 2021-02-01. Review status: criteria provided, single submitter. Criteria: ACMG Guidelines, 2015. Collection method: clinical testing. Allele origin: germline. Inheritance: Autosomal dominant inheritance. Affected: yes.

Equipe Genetique des Anomalies du Developpement, Université de Bourgogne
Classification: Pathogenic for CHD7-related CHARGE syndrome. Last evaluated: 2016-01-01. Review status: criteria provided, single submitter. Criteria: ACMG Guidelines, 2015. Collection method: clinical testing. Allele origin: de novo. Affected: yes.

Medical Genetics and Prenatal Diagnosis Center, The Third Affiliated Hospital of Zhengzhou University
Classification: Pathogenic for CHD7-related CHARGE syndrome. Review status: no assertion criteria provided. Collection method: clinical testing. Allele origin: de novo. Inheritance: Autosomal dominant inheritance. Affected: yes. Not counted in ClinVar's aggregate classification.
Comment: Null variant (nonsense) in gene CHD7, predicted to cause NMD. Loss-of-function is a known mechanism of disease (gene has 743 reported pathogenic LOF variants). The exon affects 1 functional domain: UniProt protein Q9P2D1 domain 'Chromo 1'. The exon contains 19 pathogenic variants. The truncated region contains 703 pathogenic variants(PVS1);Variant not found in gnomAD genomes, good gnomAD genomes coverage = 31.4. Variant not found in gnomAD exomes, good gnomAD exomes coverage = 33.5.(PM2)

Literature cited by the submitters: PubMed 25077900 (cited by Dasa and Labcorp Genetics (formerly Invitae), Labcorp); PubMed 31146700 (cited by Dasa); PubMed 26544072 (cited by Women's Health and Genetics/Laboratory Corporation of America, LabCorp); PubMed 16155193 (cited by Labcorp Genetics (formerly Invitae), Labcorp); PubMed 22461308 (cited by Labcorp Genetics (formerly Invitae), Labcorp).